The following is an entry in ClinVar:

NM_000091.5(COL4A3):c.235-1G>C

Genes: COL4A3 (collagen type IV alpha 3 chain; plus strand), MFF-DT (MFF divergent transcript; minus strand). Cytogenetic location: 2q36.3.
Variant type: single nucleotide variant.
Coding change: c.235-1G>C on transcript NM_000091.5 (MANE Select); the canonical splice acceptor site of the intron before coding-DNA position 235, G replaced by C.
Molecular consequence: splice acceptor variant.
Genome position (GRCh38, 1-based): chr2:227,244,319, G>C. VCF-style: chr2-227244319-G-C. GRCh37 (hg19) VCF-style: chr2-228109035-G-C.
Identifiers: ClinVar variation 1066479 (VCV001066479.8), dbSNP rs2125904309, ClinGen allele CA350860460.

ClinVar aggregate classification (germline): Likely pathogenic (1 of 4 stars; one submission).

Submission:

Labcorp Genetics (formerly Invitae), Labcorp
Classification: Likely pathogenic. Last evaluated: 2020-02-14. Review status: criteria provided, single submitter. Criteria: Invitae Variant Classification Sherloc (09022015). Collection method: clinical testing. Allele origin: germline.
Comment: This sequence change affects an acceptor splice site in intron 3 of the COL4A3 gene. It is expected to disrupt RNA splicing and likely results in an absent or disrupted protein product. This variant is not present in population databases (ExAC no frequency). This variant has not been reported in the literature in individuals with COL4A3-related conditions. Algorithms developed to predict the effect of sequence changes on RNA splicing suggest that this variant may disrupt the consensus splice site, but this prediction has not been confirmed by published transcriptional studies. Donor and acceptor splice site variants typically lead to a loss of protein function (PMID: 16199547), and loss-of-function variants in COL4A3 are known to be pathogenic (PMID: 8956999, 24854265, 26809805, 27281700). In summary, the currently available evidence indicates that the variant is pathogenic, but additional data are needed to prove that conclusively. Therefore, this variant has been classified as Likely Pathogenic.

Literature cited by the submitters: PubMed 16199547; PubMed 8956999; PubMed 24854265; PubMed 26809805; PubMed 27281700.